The following is an entry in ClinVar:

NM_181332.3(NLGN4X):c.1829C>T (p.Thr610Ile)

Gene: NLGN4X (neuroligin 4 X-linked; minus strand). Cytogenetic location: Xp22.32.
Variant type: single nucleotide variant.
Coding change: c.1829C>T on transcript NM_181332.3 (MANE Select); coding-DNA position 1829, C replaced by T.
Protein change: p.Thr610Ile; replaces threonine 610 with isoleucine.
Molecular consequence: missense variant.
Genome position (GRCh38, 1-based): chrX:5,893,439, G>A on the plus strand (C>T on the coding strand, the complement: NLGN4X is on the minus strand). VCF-style: chrX-5893439-G-A. GRCh37 (hg19) VCF-style: chrX-5811480-G-A.
Other names: c.1829C>T, p.Thr610Ile (NM_001282145.2, NM_001282146.2, NM_020742.4); short protein forms T610I.
Identifiers: ClinVar variation 1302249 (VCV001302249.25), dbSNP rs2146686298, ClinGen allele CA412013582.

ClinVar aggregate classification (germline): Uncertain significance. Review status: criteria provided, multiple submitters, no conflicts (2 of 4 stars). 2 submissions from 2 submitters: Uncertain significance (2). Last evaluated 2023-11-01.

Submissions (2):

CeGaT Center for Human Genetics Tuebingen
Classification: Uncertain significance. Last evaluated: 2023-11-01. Review status: criteria provided, single submitter. Criteria: CeGaT Center For Human Genetics Tuebingen Variant Classification Criteria Version 2. Collection method: clinical testing. Allele origin: germline. Affected: yes. Observed: 1 variant allele.
Comment: NLGN4X: PM2

GeneDx
Classification: Uncertain significance. Last evaluated: 2019-04-03. Review status: criteria provided, single submitter. Criteria: GeneDx Variant Classification Process June 2021. Collection method: clinical testing. Allele origin: germline. Affected: yes.
Comment: Has not been previously published as pathogenic or benign to our knowledge; Not observed in large population cohorts (Lek et al., 2016); In silico analysis, which includes protein predictors and evolutionary conservation, supports a deleterious effect